The following is an entry in ClinVar:

ClinVar aggregate classification (germline): Uncertain significance (1 of 4 stars; one submission).

Conditions:
Mitochondrial trifunctional protein deficiency. Identifiers: Orphanet 746, MedGen C1969443, MONDO:0012172.

Allele frequency attached by ClinVar (database versions not stated): gnomAD 0.00001; TOPMed 0.00001.
gnomAD v4.1: 1 of 1,612,502 alleles (0.000062%); highest among the groups gnomAD compares: Non-Finnish European, 0.000085%; no homozygotes.

Submission:

Labcorp Genetics (formerly Invitae), Labcorp
Classification: Uncertain significance for Mitochondrial trifunctional protein deficiency. Last evaluated: 2022-06-27. Review status: criteria provided, single submitter. Criteria: Invitae Variant Classification Sherloc (09022015). Collection method: clinical testing. Allele origin: germline.
Comment: In summary, the available evidence is currently insufficient to determine the role of this variant in disease. Therefore, it has been classified as a Variant of Uncertain Significance. Algorithms developed to predict the effect of missense changes on protein structure and function are either unavailable or do not agree on the potential impact of this missense change (SIFT: "Deleterious"; PolyPhen-2: "Probably Damaging"; Align-GVGD: "Class C15"). This variant has not been reported in the literature in individuals affected with HADHB-related conditions. This variant is not present in population databases (gnomAD no frequency). This sequence change replaces serine, which is neutral and polar, with tyrosine, which is neutral and polar, at codon 308 of the HADHB protein (p.Ser308Tyr).

NM_000183.3(HADHB):c.923C>A (p.Ser308Tyr)

Gene: HADHB (hydroxyacyl-CoA dehydrogenase trifunctional multienzyme complex subunit beta; plus strand). Cytogenetic location: 2p23.3.
Variant type: single nucleotide variant.
Coding change: c.923C>A on transcript NM_000183.3 (MANE Select); coding-DNA position 923, C replaced by A.
Protein change: p.Ser308Tyr; replaces serine 308 with tyrosine.
Molecular consequence: missense variant.
Genome position (GRCh38, 1-based): chr2:26,280,105, C>A. VCF-style: chr2-26280105-C-A. GRCh37 (hg19) VCF-style: chr2-26502973-C-A.
Other names: c.878C>A, p.Ser293Tyr (NM_001281512.2); c.857C>A, p.Ser286Tyr (NM_001281513.2); short protein forms S293Y, S308Y, S286Y.
Identifiers: ClinVar variation 1965029 (VCV001965029.5), dbSNP rs1672723074, ClinGen allele CA346093945.